The following is an entry in ClinVar:

NM_025074.7(FRAS1):c.604-1G>C

Gene: FRAS1 (Fraser extracellular matrix complex subunit 1; plus strand). Cytogenetic location: 4q21.21.
Variant type: single nucleotide variant.
Coding change: c.604-1G>C on transcript NM_025074.7 (MANE Select); the canonical splice acceptor site of the intron before coding-DNA position 604, G replaced by C.
Molecular consequence: splice acceptor variant.
Genome position (GRCh38, 1-based): chr4:78,265,024, G>C. VCF-style: chr4-78265024-G-C. GRCh37 (hg19) VCF-style: chr4-79186178-G-C.
Other names: c.604-1G>C (NM_001166133.2).
Identifiers: ClinVar variation 2501256 (VCV002501256.1), dbSNP rs1212739356, ClinGen allele CA357353616.
Genomic context (GRCh38, chr4:78,265,024, plus strand): 5'-TGCTGTTGTGGATCTTATTAATATCACTTTGTGATGGATTGTTCCTGTTCTGCGTGTTAA[G>C]GATGAGACTGTAGTCCGAGTCCCTGGAAAATGTTGCCCGCAGTGCTCTGCAAGATCCTGC-3'

ClinVar aggregate classification (germline): Likely pathogenic (1 of 4 stars; one submission).

Conditions:
Fraser syndrome 1 (FRASRS1). Also called: CRYPTOPHTHALMOS WITH OTHER MALFORMATIONS. Identifiers: Orphanet 2052, MedGen C4551480, MONDO:0054737, OMIM 219000.

Submission:

Women's Health and Genetics/Laboratory Corporation of America, LabCorp
Classification: Likely pathogenic for Fraser syndrome 1. Last evaluated: 2023-03-09. Review status: criteria provided, single submitter. Criteria: LabCorp Variant Classification Summary - May 2015. Collection method: clinical testing. Allele origin: germline.
Comment: Variant summary: FRAS1 c.604-1G>C is located in a canonical splice-site and is predicted to affect mRNA splicing resulting in a significantly altered protein due to either exon skipping, shortening, or inclusion of intronic material. Several computational tools predict a significant impact on normal splicing: Three predict the variant abolishes the canonical 3' acceptor site. However, these predictions have yet to be confirmed by functional studies. The variant was absent in 247872 control chromosomes (gnomAD). To our knowledge, no occurrence of c.604-1G>C in individuals affected with Cryptophthalmos Syndrome and no experimental evidence demonstrating its impact on protein function have been reported. No clinical diagnostic laboratories have submitted clinical-significance assessments for this variant to ClinVar after 2014. Based on the evidence outlined above, the variant was classified as likely pathogenic.